The following is an entry in ClinVar:

NM_000179.3(MSH6):c.624G>C (p.Met208Ile)

Gene: MSH6 (mutS homolog 6; plus strand). Cytogenetic location: 2p16.3.
Variant type: single nucleotide variant.
Coding change: c.624G>C on transcript NM_000179.3 (MANE Select); coding-DNA position 624, G replaced by C.
Protein change: p.Met208Ile; replaces methionine 208 with isoleucine.
Molecular consequence: missense variant. On other transcripts: 5 prime UTR variant (2), non-coding transcript variant (5), intron variant (8).
Genome position (GRCh38, 1-based): chr2:47,796,060, G>C. VCF-style: chr2-47796060-G-C. GRCh37 (hg19) VCF-style: chr2-48023199-G-C.
Other names: c.327G>C, p.Met109Ile (NM_001406825.1, NM_001406827.1, NM_001406828.1 and 10 more transcripts); c.624G>C, p.Met208Ile (NM_001407362.1, NM_001406808.1, NM_001406809.1 and 5 more transcripts); c.456G>C, p.Met152Ile (NM_001406826.1); c.99G>C, p.Met33Ile (NM_001406806.1, NM_001406807.1, NM_001406799.1); c.630G>C, p.Met210Ile (NM_001406813.1); c.-371G>C (NM_001406814.1); c.-279-2551G>C (NM_001406811.1, NM_001281493.2, NM_001406812.1 and 4 more transcripts); c.238-2551G>C (NM_001281492.2); and 3 more; short protein forms M210I, M33I, M109I, M208I, M152I, M182I, M240I.
Identifiers: ClinVar variation 3633911 (VCV003633911.2).

ClinVar aggregate classification (germline): Uncertain significance (1 of 4 stars; one submission).

Conditions:
Hereditary nonpolyposis colorectal neoplasms. Identifiers: MedGen C0009405, MeSH D003123.

Submission:

Labcorp Genetics (formerly Invitae), Labcorp
Classification: Uncertain significance for Hereditary nonpolyposis colorectal neoplasms. Last evaluated: 2024-10-03. Review status: criteria provided, single submitter. Criteria: Invitae Variant Classification Sherloc (09022015). Collection method: clinical testing. Allele origin: germline.
Comment: This sequence change replaces methionine, which is neutral and non-polar, with isoleucine, which is neutral and non-polar, at codon 208 of the MSH6 protein (p.Met208Ile). This variant is not present in population databases (gnomAD no frequency). This variant has not been reported in the literature in individuals affected with MSH6-related conditions. Invitae Evidence Modeling of protein sequence and biophysical properties (such as structural, functional, and spatial information, amino acid conservation, physicochemical variation, residue mobility, and thermodynamic stability) indicates that this missense variant is not expected to disrupt MSH6 protein function with a negative predictive value of 95%. In summary, the available evidence is currently insufficient to determine the role of this variant in disease. Therefore, it has been classified as a Variant of Uncertain Significance.